The following is an entry in ClinVar:

NM_001080442.3(SLC38A8):c.1002del (p.Ser336fs)

Gene: SLC38A8 (solute carrier family 38 member 8; minus strand). Cytogenetic location: 16q23.3.
Variant type: Deletion.
Coding change: c.1002del on transcript NM_001080442.3 (MANE Select); coding-DNA position 1002, one base deleted (G; older notation c.1002delG).
Protein change: p.Ser336fs; shifts the reading frame from serine 336.
Molecular consequence: frameshift variant.
Genome position (GRCh38, 1-based): chr16:84,016,679, C deleted on the plus strand (G on the coding strand, the reverse complement: SLC38A8 is on the minus strand); the first of 5 consecutive C bases (chr16:84,016,679-84,016,683); deleting any one gives the same sequence. VCF-style (leftmost placement, unchanged base first): chr16-84016678-GC-G. GRCh37 (hg19) VCF-style: chr16-84050283-GC-G.
Other names: c.1002delG (NM_001080442.1); short protein forms S336fs.
Identifiers: ClinVar variation 125444 (VCV000125444.6), dbSNP rs587777255, ClinGen allele CA150836.

ClinVar aggregate classification (germline): Pathogenic. Review status: criteria provided, multiple submitters, no conflicts (2 of 4 stars). 3 submissions from 3 submitters: Pathogenic (2). 1 of the submissions does not count toward it. Last evaluated 2023-10-16.

Conditions:
Inborn genetic diseases. Identifiers: MedGen C0950123, MeSH D030342.
FOVEAL HYPOPLASIA 2 WITH OPTIC NERVE MISROUTING AND ANTERIOR SEGMENT DYSGENESIS.

Submissions (3):

Labcorp Genetics (formerly Invitae), Labcorp
Classification: Pathogenic. Last evaluated: 2023-10-16. Review status: criteria provided, single submitter. Criteria: Invitae Variant Classification Sherloc (09022015). Collection method: clinical testing. Allele origin: germline.
Comment: This sequence change creates a premature translational stop signal (p.Ser336Alafs*15) in the SLC38A8 gene. It is expected to result in an absent or disrupted protein product. Loss-of-function variants in SLC38A8 are known to be pathogenic (PMID: 24290379). This variant is present in population databases (rs587777255, gnomAD 0.02%). This premature translational stop signal has been observed in individual(s) with foveal hypoplasia (PMID: 24290379). ClinVar contains an entry for this variant (Variation ID: 125444). For these reasons, this variant has been classified as Pathogenic.

Ambry Genetics
Classification: Pathogenic for Inborn genetic diseases. Last evaluated: 2023-04-12. Review status: criteria provided, single submitter. Criteria: Ambry Variant Classification Scheme 2023. Collection method: clinical testing. Allele origin: germline.
Comment: The c.1002delG (p.S336Afs*15) alteration, located in exon 8 (coding exon 8) of the SLC38A8 gene, consists of a deletion of one nucleotide at position 1002, causing a translational frameshift with a predicted alternate stop codon after 15 amino acids. This alteration is expected to result in loss of function by premature protein truncation or nonsense-mediated mRNA decay. Based on data from gnomAD, the c.1002delG allele has an overall frequency of 0.001% (3/249754) total alleles studied. The highest observed frequency was 0.011% (2/18368) of East Asian alleles. This variant has been reported to cosegregate with disease in a family with two siblings who are homozygous and have features consistent with SLC38A8-related foveal hypoplasia (Poulter, 2013). Based on the available evidence, this alteration is classified as pathogenic.

OMIM
Classification: Pathogenic for FOVEAL HYPOPLASIA 2 WITH OPTIC NERVE MISROUTING AND ANTERIOR SEGMENT DYSGENESIS. Last evaluated: 2013-12-05. Review status: no assertion criteria provided. Collection method: literature only. Allele origin: germline. Not counted in ClinVar's aggregate classification.

Literature cited by the submitters: PubMed 24290379 (cited by 3 submitters); PubMed 16707527 (cited by OMIM).